The following is an entry in ClinVar:

NM_004407.4(DMP1):c.1490A>T (p.His497Leu)

Genes: DMP1-AS1 (DMP1 and DSPP antisense RNA 1; minus strand), DMP1 (dentin matrix acidic phosphoprotein 1; plus strand). Cytogenetic location: 4q22.1.
Variant type: single nucleotide variant.
Coding change: c.1490A>T on transcript NM_004407.4 (MANE Select); coding-DNA position 1490, A replaced by T.
Protein change: p.His497Leu; replaces histidine 497 with leucine.
Molecular consequence: missense variant.
Genome position (GRCh38, 1-based): chr4:87,663,268, A>T. VCF-style: chr4-87663268-A-T. GRCh37 (hg19) VCF-style: chr4-88584420-A-T.
Other names: c.1442A>T, p.His481Leu (NM_001079911.3); short protein forms H497L, H481L.
Identifiers: ClinVar variation 1468294 (VCV001468294.9), dbSNP rs376245118, ClinGen allele CA101381900.

ClinVar aggregate classification (germline): Uncertain significance. Review status: criteria provided, multiple submitters, no conflicts (2 of 4 stars). 2 submissions from 2 submitters: Uncertain significance (2). Last evaluated 2021-09-08.

Conditions:
Hypophosphatemic rickets, autosomal recessive, 1 (ARHR1). Also called: HYPOPHOSPHATEMIA, AUTOSOMAL RECESSIVE. Identifiers: Orphanet 289176, MedGen C4551495, MONDO:0009430, OMIM 241520. Disease mechanism: loss of function.

Allele frequency attached by ClinVar (database versions not stated): gnomAD 0.00001; TOPMed 0.00001; ESP Exome Variant Server 0.00008.
gnomAD v4.1: 2 of 1,614,156 alleles (0.00012%); highest among the groups gnomAD compares: Non-Finnish European, 0.00017%; no homozygotes.

Submissions (2):

Fulgent Genetics
Classification: Uncertain significance for Hypophosphatemic rickets, autosomal recessive, 1. Last evaluated: 2021-09-08. Review status: criteria provided, single submitter. Criteria: ACMG Guidelines, 2015. Collection method: clinical testing. Allele origin: unknown.

Labcorp Genetics (formerly Invitae), Labcorp
Classification: Uncertain significance. Last evaluated: 2020-11-23. Review status: criteria provided, single submitter. Criteria: Invitae Variant Classification Sherloc (09022015). Collection method: clinical testing. Allele origin: germline.
Comment: In summary, the available evidence is currently insufficient to determine the role of this variant in disease. Therefore, it has been classified as a Variant of Uncertain Significance. Algorithms developed to predict the effect of missense changes on protein structure and function are either unavailable or do not agree on the potential impact of this missense change (SIFT: "Deleterious"; PolyPhen-2: "Not Available"; Align-GVGD: "Class C0"). This variant has not been reported in the literature in individuals with DMP1-related conditions. This variant is not present in population databases (ExAC no frequency). This sequence change replaces histidine with leucine at codon 497 of the DMP1 protein (p.His497Leu). The histidine residue is highly conserved and there is a moderate physicochemical difference between histidine and leucine.